The following is an entry in ClinVar:

NM_004281.4(BAG3):c.306C>T (p.Gly102=)

Gene: BAG3 (BAG cochaperone 3; plus strand). Cytogenetic location: 10q26.11.
Variant type: single nucleotide variant.
Coding change: c.306C>T on transcript NM_004281.4 (MANE Select); coding-DNA position 306, C replaced by T.
Protein change: p.Gly102=; no amino-acid change (glycine 102 retained).
Molecular consequence: synonymous variant.
Genome position (GRCh38, 1-based): chr10:119,669,976, C>T. VCF-style: chr10-119669976-C-T. GRCh37 (hg19) VCF-style: chr10-121429488-C-T.
Identifiers: ClinVar variation 958697 (VCV000958697.15), dbSNP rs202006167, ClinGen allele CA5716286.
Genomic context (GRCh38, chr10:119,669,976, plus strand): 5'-CCACCCTGTGTACCCCCAGCTCCGACCAGGCTACATTCCCATTCCTGTGCTCCATGAAGG[C>T]GCTGAGAACCGGCAGGTGCACCCTTTCCATGTCTATCCCCAGCCTGGGATGCAGCGATTC-3'
Protein context (NP_004272.2, residues 92-112): GYIPIPVLHE[Gly102=]AENRQVHPFH

ClinVar aggregate classification (germline): Benign/Likely benign. Review status: criteria provided, multiple submitters, no conflicts (2 of 4 stars). 4 submissions from 4 submitters: Benign (1); Likely benign (3). Last evaluated 2026-01-24.

Conditions:
Cardiovascular phenotype. Identifiers: MedGen CN230736.
Dilated cardiomyopathy 1HH (CMD1HH). Identifiers: Orphanet 154, MedGen C3151293, MONDO:0013479, OMIM 613881.
Myofibrillar myopathy 6. Identifiers: Orphanet 199340, MedGen C2751831, MONDO:0013061, OMIM 612954.

Allele frequency attached by ClinVar (database versions not stated): gnomAD 0.00001 and 0.00003; gnomAD exomes 0.00002 and 0.00005; TOPMed 0.00002; ExAC 0.00006; 1000 Genomes Project 30x 0.00031; 1000 Genomes Project 0.00040.

Submissions (5):

Labcorp Genetics (formerly Invitae), Labcorp
Classification: Benign for Dilated cardiomyopathy 1HH; Myofibrillar myopathy 6. Last evaluated: 2026-01-24. Review status: criteria provided, single submitter. Criteria: Invitae Variant Classification Sherloc (09022015). Collection method: clinical testing. Allele origin: germline.

Molecular Diagnostic Laboratory for Inherited Cardiovascular Disease, Montreal Heart Institute
Classification: Likely benign. Last evaluated: 2025-04-09. Review status: criteria provided, single submitter. Criteria: ACMG Guidelines, 2015. Collection method: clinical testing. Allele origin: germline. Affected: no.
Comment: BP6;BP7

GeneDx
Classification: Likely benign. Last evaluated: 2021-03-04. Review status: criteria provided, single submitter. Criteria: GeneDx Variant Classification Process June 2021. Collection method: clinical testing. Allele origin: germline. Affected: yes.

Ambry Genetics
Classification: Likely benign for Cardiovascular phenotype. Last evaluated: 2019-03-28. Review status: criteria provided, single submitter. Criteria: Ambry Variant Classification Scheme 2023. Collection method: clinical testing. Allele origin: germline.

Dr. Peter K. Rogan Lab, Western University
No classification provided (evidence only). Condition: Gastric cancer. Review status: no classification provided. Collection method: in vitro. Allele origin: not applicable. Functional consequence: retained intron. Not counted in ClinVar's aggregate classification.